The following is an entry in ClinVar:

ClinVar aggregate classification (germline): Uncertain significance. Review status: criteria provided, multiple submitters, no conflicts (2 of 4 stars). 2 submissions from 2 submitters: Uncertain significance (2). Last evaluated 2025-06-16.

Conditions:
Dyskeratosis congenita, autosomal recessive 5 (DKCB5). Identifiers: MedGen C3554656, MONDO:0014076, OMIM 615190.
Pulmonary fibrosis and/or bone marrow failure, Telomere-related, 3. Also called: PULMONARY FIBROSIS AND/OR BONE MARROW FAILURE SYNDROME, TELOMERE-RELATED, 3. Identifiers: Orphanet 2032, MedGen C4225346, MONDO:0014613, OMIM 616373.
Inborn genetic diseases. Identifiers: MedGen C0950123, MeSH D030342.

Allele frequency attached by ClinVar (database versions not stated): gnomAD exomes 0.00001 and 0.00002; TOPMed 0.00001; ExAC 0.00004.
gnomAD v4.1: 5 of 1,612,256 alleles (0.00031%); highest among the groups gnomAD compares: Admixed American, 0.0083%; no homozygotes.

Submissions (2):

Ambry Genetics
Classification: Uncertain significance for Inborn genetic diseases. Last evaluated: 2025-06-16. Review status: criteria provided, single submitter. Criteria: Ambry Variant Classification Scheme 2023. Collection method: clinical testing. Allele origin: germline.
Comment: The p.P650S variant (also known as c.1948C>T), located in coding exon 22 of the RTEL1 gene, results from a C to T substitution at nucleotide position 1948. The proline at codon 650 is replaced by serine, an amino acid with similar properties. This amino acid position is conserved. In addition, this alteration is predicted to be deleterious by in silico analysis. Based on the available evidence, the clinical significance of this variant remains unclear.

Labcorp Genetics (formerly Invitae), Labcorp
Classification: Uncertain significance for Dyskeratosis congenita, autosomal recessive 5; Pulmonary fibrosis and/or bone marrow failure, Telomere-related, 3. Last evaluated: 2021-09-24. Review status: criteria provided, single submitter. Criteria: Invitae Variant Classification Sherloc (09022015). Collection method: clinical testing. Allele origin: germline.
Comment: This sequence change replaces proline with serine at codon 650 of the RTEL1 protein (p.Pro650Ser). The proline residue is highly conserved and there is a moderate physicochemical difference between proline and serine. This variant is present in population databases (rs768489017, ExAC 0.04%). This variant has not been reported in the literature in individuals with RTEL1-related conditions. Algorithms developed to predict the effect of missense changes on protein structure and function are either unavailable or do not agree on the potential impact of this missense change (SIFT: "Tolerated"; PolyPhen-2: "Probably Damaging"; Align-GVGD: "Class C0"). In summary, the available evidence is currently insufficient to determine the role of this variant in disease. Therefore, it has been classified as a Variant of Uncertain Significance.

NM_001283009.2(RTEL1):c.1948C>T (p.Pro650Ser)

Genes: RTEL1 (regulator of telomere elongation helicase 1; plus strand), RTEL1-TNFRSF6B (RTEL1-TNFRSF6B readthrough (NMD candidate); plus strand). Cytogenetic location: 20q13.33.
Variant type: single nucleotide variant.
Coding change: c.1948C>T on transcript NM_001283009.2 (MANE Select); coding-DNA position 1948, C replaced by T.
Protein change: p.Pro650Ser; replaces proline 650 with serine.
Molecular consequence: missense variant. On other transcripts: non-coding transcript variant (1).
Genome position (GRCh38, 1-based): chr20:63,689,571, C>T. VCF-style: chr20-63689571-C-T. GRCh37 (hg19) VCF-style: chr20-62320924-C-T.
Other names: c.1279C>T, p.Pro427Ser (NM_001283010.1); c.1948C>T, p.Pro650Ser (NM_016434.4); c.2020C>T, p.Pro674Ser (NM_032957.5); short protein forms P650S, P674S, P427S.
Identifiers: ClinVar variation 1416927 (VCV001416927.6), dbSNP rs768489017, ClinGen allele CA9965084.
Genomic context (GRCh38, chr20:63,689,571, plus strand): 5'-GGGCTGGACTTCTCAGACACGAATGGCCGTGGTGTGATTGTCACGGGCCTCCCGTACCCC[C>T]CACGCATGGACCCCCGGGTTGTCCTCAAGATGCAGTTCCTGGATGAGATGAAGGGCCAGG-3'
Protein context (NP_001269938.1, residues 640-660): GVIVTGLPYP[Pro650Ser]RMDPRVVLKM